The following is an entry in ClinVar:

ClinVar aggregate classification (germline): Uncertain significance (1 of 4 stars; one submission).

Allele frequency attached by ClinVar (database versions not stated): gnomAD exomes 0.00001; gnomAD 0.00004.
gnomAD v4.1: 7 of 1,115,368 alleles (0.00063%); highest among the groups gnomAD compares: African/African-American, 0.0096%; no homozygotes.

Submission:

Labcorp Genetics (formerly Invitae), Labcorp
Classification: Uncertain significance. Last evaluated: 2025-08-19. Review status: criteria provided, single submitter. Criteria: Invitae Variant Classification Sherloc (09022015). Collection method: clinical testing. Allele origin: germline.
Comment: This sequence change replaces alanine, which is neutral and non-polar, with valine, which is neutral and non-polar, at codon 40 of the ATP6AP1 protein (p.Ala40Val). The frequency data for this variant in the population databases is considered unreliable, as metrics indicate poor data quality at this position in the gnomAD database. This variant has not been reported in the literature in individuals affected with ATP6AP1-related conditions. ClinVar contains an entry for this variant (Variation ID: 3012901). Invitae Evidence Modeling of protein sequence and biophysical properties (such as structural, functional, and spatial information, amino acid conservation, physicochemical variation, residue mobility, and thermodynamic stability) indicates that this missense variant is not expected to disrupt ATP6AP1 protein function with a negative predictive value of 80%. In summary, the available evidence is currently insufficient to determine the role of this variant in disease. Therefore, it has been classified as a Variant of Uncertain Significance.

NM_001183.6(ATP6AP1):c.119C>T (p.Ala40Val)

Gene: ATP6AP1 (ATPase H+ transporting accessory protein 1; plus strand). Cytogenetic location: Xq28.
Variant type: single nucleotide variant.
Coding change: c.119C>T on transcript NM_001183.6 (MANE Select); coding-DNA position 119, C replaced by T.
Protein change: p.Ala40Val; replaces alanine 40 with valine.
Molecular consequence: missense variant.
Genome position (GRCh38, 1-based): chrX:154,428,811, C>T. VCF-style: chrX-154428811-C-T. GRCh37 (hg19) VCF-style: chrX-153657157-C-T.
Other names: short protein forms A40V.
Identifiers: ClinVar variation 3012901 (VCV003012901.3), dbSNP rs1273148864, ClinGen allele CA415187634.
Genomic context (GRCh38, chrX:154,428,811, plus strand): 5'-TCTGGCGCATGCCGTGGCTGCCGGTGTTTTTGTCGTTGGCGGCGGCGGCGGCGGCGGCAG[C>T]GGCGGAGCAGCAGGTCCCGCTGGTGCTGTGGTCGAGTGACCGGTGAGCGGGCCGGGGTGG-3'
Protein context (NP_001174.2, residues 30-50): LSLAAAAAAA[Ala40Val]AEQQVPLVLW